The following is an entry in ClinVar:

NM_024675.4(PALB2):c.2586+58C>T

Gene: PALB2 (partner and localizer of BRCA2; minus strand). Cytogenetic location: 16p12.2.
Variant type: single nucleotide variant.
Coding change: c.2586+58C>T on transcript NM_024675.4 (MANE Select); 58 bases into the intron after coding-DNA position 2586, C replaced by T.
Molecular consequence: intron variant.
Genome position (GRCh38, 1-based): chr16:23,629,146, G>A on the plus strand (C>T on the coding strand, the complement: PALB2 is on the minus strand). VCF-style: chr16-23629146-G-A. GRCh37 (hg19) VCF-style: chr16-23640467-G-A.
Identifiers: ClinVar variation 126663 (VCV000126663.9), dbSNP rs249954, ClinGen allele CA269544.
Genomic context (GRCh38, chr16:23,629,146, plus strand): 5'-GTTTACCAATATCTTTAATAGTATTAAAGAACAAGAAGCTATATGACTGAATTCTTTTCA[G>A]TTCATTAAAGTTTTCATATGTAAGACACGAGACACTGGAAGAGAATATTCTTCTGACCTT-3'

ClinVar aggregate classification (germline): Benign. Review status: criteria provided, multiple submitters, no conflicts (2 of 4 stars). 7 submissions from 7 submitters: Benign (4). 3 of the submissions do not count toward it. Last evaluated 2023-07-07.

Conditions:
Breast-ovarian cancer, familial, susceptibility to, 5 (BROVCA5). Identifiers: MedGen C5830615, MONDO:0957530, OMIM 620442.
Hereditary breast ovarian cancer syndrome. Also called: BRCA1- and BRCA2-Associated Hereditary Breast and Ovarian Cancer; Hereditary breast and ovarian cancer; Hereditary breast and/or ovarian cancer syndrome; Hereditary breast and ovarian cancer syndrome; Hereditary breast and ovarian cancer syndrome (HBOC); Breast and ovarian cancer. Identifiers: Orphanet 145, MedGen C0677776, MeSH D061325, MONDO:0003582. Disease mechanism: loss of function.
Familial cancer of breast. Also called: BREAST CANCER, FAMILIAL; hereditary breast carcinoma; Hereditary breast cancer. Identifiers: Orphanet 227535, MedGen C0346153, MONDO:0016419, OMIM 114480. Disease mechanism: loss of function.

Allele frequency attached by ClinVar (database versions not stated): gnomAD 0.31139 and 0.31102; TOPMed 0.31510; 1000 Genomes Project 0.35004; 1000 Genomes Project 30x 0.35150; ESP Exome Variant Server 0.30114.

Submissions (7):

KCCC/NGS Laboratory, Kuwait Cancer Control Center
Classification: Benign for Breast-ovarian cancer, familial, susceptibility to, 5. Last evaluated: 2023-07-07. Review status: criteria provided, single submitter. Criteria: ACMG Guidelines, 2015. Collection method: clinical testing. Allele origin: germline. Affected: yes.

National Health Laboratory Service, Universitas Academic Hospital and University of the Free State
Classification: Benign for Hereditary breast ovarian cancer syndrome. Last evaluated: 2022-04-19. Review status: criteria provided, single submitter. Criteria: ACMG Guidelines, 2015. Collection method: clinical testing. Allele origin: germline. Affected: yes. Observed: 180 variant alleles.

GeneDx
Classification: Benign. Last evaluated: 2015-03-03. Review status: criteria provided, single submitter. Criteria: GeneDx Variant Classification Process June 2021. Collection method: clinical testing. Allele origin: germline. Affected: yes.

Breakthrough Genomics
Classification: Benign. Review status: criteria provided, single submitter. Criteria: ACMG Guidelines, 2015. Collection method: not provided. Allele origin: germline. Inheritance: Autosomal dominant inheritance. Affected: yes.

Leiden Open Variation Database
Classification: Benign for Familial cancer of breast. Last evaluated: 2019-05-13. Review status: no assertion criteria provided. Collection method: curation. Allele origin: germline. Affected: yes. Not counted in ClinVar's aggregate classification.
Comment: Curators: Marc Tischkowitz, Arleen D. Auerbach. Submitter to LOVD: Marc Tischkowitz.

Clinical Genetics Laboratory, Department of Pathology, Netherlands Cancer Institute
Classification: Benign. Review status: no assertion criteria provided. Collection method: clinical testing. Allele origin: germline. Affected: yes. Study: VKGL Data-share Consensus. Not counted in ClinVar's aggregate classification.

Joint Genome Diagnostic Labs from Nijmegen and Maastricht, Radboudumc and MUMC+
Classification: Benign. Review status: no assertion criteria provided. Collection method: clinical testing. Allele origin: germline. Affected: yes. Study: VKGL Data-share Consensus. Not counted in ClinVar's aggregate classification.

Literature cited by the submitters: PubMed 18446436 (cited by Leiden Open Variation Database); PubMed 18794107 (cited by Leiden Open Variation Database); PubMed 22052327 (cited by Leiden Open Variation Database); PubMed 23935836 (cited by Leiden Open Variation Database).